The following is an entry in ClinVar:

ClinVar aggregate classification (germline): Uncertain significance. Review status: criteria provided, multiple submitters, no conflicts (2 of 4 stars). 2 submissions from 2 submitters: Uncertain significance (2). Last evaluated 2025-08-05.

Conditions:
Hereditary spastic paraplegia 49 (HSAN9). Also called: Spastic paraplegia 49, autosomal recessive; TECPR2-Related Hereditary Sensory and Autonomic Neuropathy with Intellectual Disability; NEUROPATHY, HEREDITARY SENSORY AND AUTONOMIC, TYPE IX, WITH DEVELOPMENTAL DELAY. Identifiers: Orphanet 320385, MedGen C5190860, MONDO:0014016, OMIM 615031.
Inborn genetic diseases. Identifiers: MedGen C0950123, MeSH D030342.

Allele frequency attached by ClinVar (database versions not stated): TOPMed 0.00001; ExAC 0.00001; gnomAD 0.00001; gnomAD exomes 0.00001.

Submissions (2):

Ambry Genetics
Classification: Uncertain significance for Inborn genetic diseases. Last evaluated: 2025-08-05. Review status: criteria provided, single submitter. Criteria: Ambry Variant Classification Scheme 2023. Collection method: clinical testing. Allele origin: germline.

Labcorp Genetics (formerly Invitae), Labcorp
Classification: Uncertain significance for Hereditary spastic paraplegia 49. Last evaluated: 2022-05-23. Review status: criteria provided, single submitter. Criteria: Invitae Variant Classification Sherloc (09022015). Collection method: clinical testing. Allele origin: germline.
Comment: This sequence change replaces arginine, which is basic and polar, with tryptophan, which is neutral and slightly polar, at codon 241 of the TECPR2 protein (p.Arg241Trp). This variant is present in population databases (rs779657383, gnomAD 0.006%). This variant has not been reported in the literature in individuals affected with TECPR2-related conditions. Algorithms developed to predict the effect of missense changes on protein structure and function are either unavailable or do not agree on the potential impact of this missense change (SIFT: "Deleterious"; PolyPhen-2: "Probably Damaging"; Align-GVGD: "Class C0"). In summary, the available evidence is currently insufficient to determine the role of this variant in disease. Therefore, it has been classified as a Variant of Uncertain Significance.

NM_014844.5(TECPR2):c.721C>T (p.Arg241Trp)

Gene: TECPR2 (tectonin beta-propeller repeat containing 2; plus strand). Cytogenetic location: 14q32.31.
Variant type: single nucleotide variant.
Coding change: c.721C>T on transcript NM_014844.5 (MANE Select); coding-DNA position 721, C replaced by T.
Protein change: p.Arg241Trp; replaces arginine 241 with tryptophan.
Molecular consequence: missense variant.
Genome position (GRCh38, 1-based): chr14:102,425,061, C>T. VCF-style: chr14-102425061-C-T. GRCh37 (hg19) VCF-style: chr14-102891398-C-T.
Other names: c.721C>T, p.Arg241Trp (NM_001172631.3); c.721C>T (NM_014844.3); short protein forms R241W.
Identifiers: ClinVar variation 2146270 (VCV002146270.4), dbSNP rs779657383, ClinGen allele CA7357514.